The following is an entry in ClinVar:

ClinVar aggregate classification (germline): Likely benign. Review status: criteria provided, multiple submitters, no conflicts (2 of 4 stars). 3 submissions from 3 submitters: Likely benign (3). Last evaluated 2023-05-30.

Conditions:
Cardiovascular phenotype. Identifiers: MedGen CN230736.
Familial isolated arrhythmogenic right ventricular dysplasia. Identifiers: Orphanet 217656, MedGen C4274968, MONDO:0016342.
Cardiomyopathy (CMYO). Also called: Cardiomyopathies. Identifiers: Orphanet 167848, MedGen C0878544, MONDO:0004994, HP:0001638. Inheritance: Various modes of inheritance.

Allele frequency attached by ClinVar (database versions not stated): gnomAD exomes below 0.00001; ExAC 0.00001.
gnomAD v4.1: 3 of 1,614,070 alleles (0.00019%); highest among the groups gnomAD compares: Non-Finnish European, 0.00025%; no homozygotes.

Submissions (3):

All of Us Research Program, National Institutes of Health
Classification: Likely benign for Familial isolated arrhythmogenic right ventricular dysplasia. Last evaluated: 2023-05-30. Review status: criteria provided, single submitter. Criteria: ACMG Guidelines, 2015. Collection method: clinical testing. Allele origin: germline. Inheritance: Autosomal dominant inheritance. Observed: 1 variant allele, 1 heterozygote.
Comment: This study involves interpretation of variants in research participants for the purpose of population health screening. Participant phenotype was not available at the time of variant classification. Additional details can be found in publication PMID: 35346344, PMCID: PMC8962531

Ambry Genetics
Classification: Likely benign for Cardiovascular phenotype. Last evaluated: 2022-03-08. Review status: criteria provided, single submitter. Criteria: Ambry Variant Classification Scheme 2023. Collection method: clinical testing. Allele origin: germline.

Color Diagnostics, LLC DBA Color Health
Classification: Likely benign for Cardiomyopathy. Last evaluated: 2020-02-18. Review status: criteria provided, single submitter. Criteria: ACMG Guidelines, 2015. Collection method: clinical testing. Allele origin: germline.

NM_024422.6(DSC2):c.2436A>G (p.Gly812=)

Gene: DSC2 (desmocollin 2; minus strand). Cytogenetic location: 18q12.1.
Variant type: single nucleotide variant.
Coding change: c.2436A>G on transcript NM_024422.6 (MANE Select); coding-DNA position 2436, A replaced by G.
Protein change: p.Gly812=; no amino-acid change (glycine 812 retained).
Molecular consequence: synonymous variant.
Genome position (GRCh38, 1-based): chr18:31,068,966, T>C on the plus strand (A>G on the coding strand, the complement: DSC2 is on the minus strand). VCF-style: chr18-31068966-T-C. GRCh37 (hg19) VCF-style: chr18-28648932-T-C.
Other names: c.2436A>G, p.Gly812= (NM_004949.5).
Identifiers: ClinVar variation 920514 (VCV000920514.5), dbSNP rs754081349, ClinGen allele CA036745.
Genomic context (GRCh38, chr18:31,068,966, plus strand): 5'-GGGCTGAGTAAAACTGTGCCACTCCGAGTAAGTGTATCTGCAGTTGTCCACCTCCGTGTG[T>C]CCTCCCCTGCAGGAGTCCAGGGTGTGATGGTGGCCAGCCCCCCGGCAGGATTCCGAGGTC-3'
Protein context (NP_077740.1, residues 802-822): HHHTLDSCRG[Gly812=]HTEVDNCRYT